The following is an entry in ClinVar:

ClinVar aggregate classification (germline): Uncertain significance (1 of 4 stars; one submission).

Conditions:
Multiple epiphyseal dysplasia type 4 (EDM4). Also called: Multiple Epiphyseal Dysplasia, Recessive; MULTIPLE EPIPHYSEAL DYSPLASIA WITH BILAYERED PATELLAE; MULTIPLE EPIPHYSEAL DYSPLASIA WITH CLUBFOOT; MULTIPLE EPIPHYSEAL DYSPLASIA, AUTOSOMAL RECESSIVE; SLC26A2-Related Multiple Epiphyseal Dysplasia. Identifiers: Orphanet 93307, MedGen C1847593, MONDO:0009189, OMIM 226900.
Achondrogenesis, type IB (ACG1B). Also called: Achondrogenesis Type 1B. Identifiers: Orphanet 932, Orphanet 93298, MedGen C0265274, MONDO:0010966, OMIM 600972.
Atelosteogenesis type II (AO2). Also called: NEONATAL OSSEOUS DYSPLASIA I; Neonatal osseous dysplasia 1; SLC26A2-Related Atelosteogenesis. Identifiers: Orphanet 56304, MedGen C1850554, MONDO:0009727, OMIM 256050.
Diastrophic dysplasia (DTD). Also called: Diastrophic dwarfism. Identifiers: Orphanet 628, MedGen C0220726, MONDO:0009107, OMIM 222600.

Allele frequency attached by ClinVar (database versions not stated): gnomAD exomes below 0.00001; gnomAD 0.00001; TOPMed 0.00001; 1000 Genomes Project 0.00040; 1000 Genomes Project 30x 0.00047.

Submission:

Labcorp Genetics (formerly Invitae), Labcorp
Classification: Uncertain significance for Atelosteogenesis type II; Multiple epiphyseal dysplasia type 4; Achondrogenesis, type IB; Diastrophic dysplasia. Last evaluated: 2022-06-19. Review status: criteria provided, single submitter. Criteria: Invitae Variant Classification Sherloc (09022015). Collection method: clinical testing. Allele origin: germline.
Comment: This sequence change replaces cysteine, which is neutral and slightly polar, with phenylalanine, which is neutral and non-polar, at codon 212 of the SLC26A2 protein (p.Cys212Phe). This variant is present in population databases (rs545719885, gnomAD 0.006%). This variant has not been reported in the literature in individuals affected with SLC26A2-related conditions. Advanced modeling of protein sequence and biophysical properties (such as structural, functional, and spatial information, amino acid conservation, physicochemical variation, residue mobility, and thermodynamic stability) performed at Invitae indicates that this missense variant is not expected to disrupt SLC26A2 protein function. In summary, the available evidence is currently insufficient to determine the role of this variant in disease. Therefore, it has been classified as a Variant of Uncertain Significance.

NM_000112.4(SLC26A2):c.635G>T (p.Cys212Phe)

Gene: SLC26A2 (solute carrier family 26 member 2; plus strand). Cytogenetic location: 5q32.
Variant type: single nucleotide variant.
Coding change: c.635G>T on transcript NM_000112.4 (MANE Select); coding-DNA position 635, G replaced by T.
Protein change: p.Cys212Phe; replaces cysteine 212 with phenylalanine.
Molecular consequence: missense variant.
Genome position (GRCh38, 1-based): chr5:149,978,287, G>T. VCF-style: chr5-149978287-G-T. GRCh37 (hg19) VCF-style: chr5-149357850-G-T.
Other names: short protein forms C212F.
Identifiers: ClinVar variation 2199553 (VCV002199553.1), dbSNP rs545719885, ClinGen allele CA129082733.